The following is an entry in ClinVar:

ClinVar aggregate classification (germline): Uncertain significance (1 of 4 stars; one submission).

Conditions:
Intellectual developmental disorder, autosomal recessive 37. Also called: Intellectual disability-hypotonia-spasticity-sleep disorder syndrome. Identifiers: Orphanet 356996, MedGen C3809672, MONDO:0014210, OMIM 615493.

Submission:

Pittsburgh Clinical Genomics Laboratory, University of Pittsburgh Medical Center
Classification: Uncertain significance for Intellectual developmental disorder, autosomal recessive 37. Last evaluated: 2024-05-29. Review status: criteria provided, single submitter. Criteria: ACMG Guidelines, 2015. Collection method: clinical testing. Allele origin: germline. Inheritance: Autosomal recessive inheritance. Affected: yes.
Comment: This sequence variant is a single nucleotide substitution (G>T) at position 3533 of the coding sequence of the ANK3 gene that results in a glycine to valine amino acid change at residue 1178 of the ankyrin 3 protein. This residue falls in second of two ZU5 domains in the protein (UniProt). This novel variant is absent from ClinVar, publications, and the gnomAD v4.1.0 population database (0/~1613800 alleles). Multiple bioinformatic tools predict that this amino acid change would be damaging, and the Gly1178 residue at this position is highly conserved across the vertebrate species examined. Studies examining the functional consequence of this variant have not been performed, to our knowledge. At this time, there is insufficient evidence to determine if this variant is pathogenic or benign. Therefore, we consider this a variant of uncertain significance. ACMG Criteria: BP1, PM2, PP3

NM_020987.5(ANK3):c.3533G>T (p.Gly1178Val)

Gene: ANK3 (ankyrin 3; minus strand). Cytogenetic location: 10q21.2.
Variant type: single nucleotide variant.
Coding change: c.3533G>T on transcript NM_020987.5 (MANE Select); coding-DNA position 3533, G replaced by T.
Protein change: p.Gly1178Val; replaces glycine 1178 with valine.
Molecular consequence: missense variant.
Genome position (GRCh38, 1-based): chr10:60,088,154, C>A on the plus strand (G>T on the coding strand, the complement: ANK3 is on the minus strand). VCF-style: chr10-60088154-C-A. GRCh37 (hg19) VCF-style: chr10-61847912-C-A.
Other names: c.935G>T, p.Gly312Val (NM_001149.4); c.3515G>T, p.Gly1172Val (NM_001204403.2); c.3536G>T, p.Gly1179Val (NM_001204404.2); c.3533G>T, p.Gly1178Val (NM_001320874.2); short protein forms G1172V, G1178V, G1179V, G312V.
Identifiers: ClinVar variation 3376449 (VCV003376449.1).